The following is an entry in ClinVar:

ClinVar aggregate classification (germline): Benign/Likely benign. Review status: criteria provided, multiple submitters, no conflicts (2 of 4 stars). 3 submissions from 3 submitters: Benign (1); Likely benign (2). Last evaluated 2025-11-17.

Conditions:
Hereditary cancer-predisposing syndrome. Also called: Tumor predisposition; Hereditary Cancer Syndrome; Hereditary neoplastic syndrome; Neoplastic Syndromes, Hereditary. Identifiers: Orphanet 140162, MedGen C0027672, MeSH D009386, MONDO:0015356.
Prostate cancer, hereditary, 9 (HPC9). Identifiers: Orphanet 1331, MedGen C1970250, MONDO:0012597, OMIM 610997.

Submissions (3):

Labcorp Genetics (formerly Invitae), Labcorp
Classification: Likely benign. Last evaluated: 2025-11-17. Review status: criteria provided, single submitter. Criteria: Invitae Variant Classification Sherloc (09022015). Collection method: clinical testing. Allele origin: germline.

Myriad Genetics, Inc.
Classification: Benign for Prostate cancer, hereditary, 9. Last evaluated: 2024-10-29. Review status: criteria provided, single submitter. Criteria: Myriad Autosomal Dominant, Autosomal Recessive and X-Linked Classification Criteria (2023). Collection method: clinical testing. Allele origin: unknown.
Comment: This variant is considered benign. This variant is a silent/synonymous amino acid change and it is not expected to impact splicing.

Ambry Genetics
Classification: Likely benign for Hereditary cancer-predisposing syndrome. Last evaluated: 2017-09-22. Review status: criteria provided, single submitter. Criteria: Ambry Variant Classification Scheme 2023. Collection method: clinical testing. Allele origin: germline.

NM_006361.6(HOXB13):c.321C>A (p.Ala107=)

Gene: HOXB13 (homeobox B13; minus strand). Cytogenetic location: 17q21.32.
Variant type: single nucleotide variant.
Coding change: c.321C>A on transcript NM_006361.6 (MANE Select); coding-DNA position 321, C replaced by A.
Protein change: p.Ala107=; no amino-acid change (alanine 107 retained).
Molecular consequence: synonymous variant.
Genome position (GRCh38, 1-based): chr17:48,728,273, G>T on the plus strand (C>A on the coding strand, the complement: HOXB13 is on the minus strand). VCF-style: chr17-48728273-G-T. GRCh37 (hg19) VCF-style: chr17-46805635-G-T.
Identifiers: ClinVar variation 485692 (VCV000485692.9), dbSNP rs1555558636, ClinGen allele CA500661916.